The following is an entry in ClinVar:

NM_000090.4(COL3A1):c.2284G>A (p.Gly762Ser)

Gene: COL3A1 (collagen type III alpha 1 chain; plus strand). Cytogenetic location: 2q32.2.
Variant type: single nucleotide variant.
Coding change: c.2284G>A on transcript NM_000090.4 (MANE Select); coding-DNA position 2284, G replaced by A.
Protein change: p.Gly762Ser; replaces glycine 762 with serine.
Molecular consequence: missense variant.
Genome position (GRCh38, 1-based): chr2:189,001,397, G>A. VCF-style: chr2-189001397-G-A. GRCh37 (hg19) VCF-style: chr2-189866123-G-A.
Other names: short protein forms G762S.
Identifiers: ClinVar variation 1076734 (VCV001076734.9), dbSNP rs587779694, ClinGen allele CA349842343.

ClinVar aggregate classification (germline): Pathogenic (1 of 4 stars; one submission).

Conditions:
Ehlers-Danlos syndrome, type 4 (EDSVASC). Also called: Ehlers-Danlos syndrome vascular type; Ehlers Danlos syndrome, ecchymotic type; Ehlers Danlos syndrome, arterial type; Ehlers Danlos syndrome, Sack-Barabas type; Ehlers-Danlos Syndrome Type IV. Identifiers: Orphanet 286, MedGen C0268338, MONDO:0017314, OMIM 130050.

Submission:

Labcorp Genetics (formerly Invitae), Labcorp
Classification: Pathogenic for Ehlers-Danlos syndrome, type 4. Last evaluated: 2021-03-22. Review status: criteria provided, single submitter. Criteria: Invitae Variant Classification Sherloc (09022015). Collection method: clinical testing. Allele origin: germline.
Comment: This sequence change replaces glycine with serine at codon 762 of the COL3A1 protein (p.Gly762Ser). The glycine residue is highly conserved and there is a small physicochemical difference between glycine and serine. For these reasons, this variant has been classified as Pathogenic. This variant disrupts the p.Gly762 amino acid residue in COL3A1. Other variant(s) that disrupt this residue have been observed in individuals with COL3A1-related conditions (PMID: 8884076, 30474650), which suggests that this may be a clinically significant amino acid residue. This variant disrupts the triple helix domain of COL3A1. Glycine residues within the Gly-Xaa-Yaa repeats of the triple helix domain are required for the structure and stability of fibrillar collagens (PMID: 7695699, 8218237, 19344236). In COL3A1, variants that affect these glycine residues are significantly enriched in individuals with disease (PMID: 24922459, 25758994) compared to the general population (ExAC). Algorithms developed to predict the effect of sequence changes on RNA splicing suggest that this variant may disrupt the consensus splice site, but this prediction has not been confirmed by published transcriptional studies. Algorithms developed to predict the effect of missense changes on protein structure and function are either unavailable or do not agree on the potential impact of this missense change (SIFT: "Deleterious"; PolyPhen-2: "Not Available"; Align-GVGD: "Class C55"). This variant has been observed in individual(s) with clinical features of vascular Ehlers-Danlos syndrome (Invitae). This variant is not present in population databases (ExAC no frequency).

Literature cited by the submitters: PubMed 8884076; PubMed 30474650; PubMed 7695699; PubMed 8218237; PubMed 19344236; PubMed 24922459; PubMed 25758994.